The following is an entry in ClinVar:

NM_001130438.3(SPTAN1):c.1581T>A (p.Asp527Glu)

Gene: SPTAN1 (spectrin alpha, non-erythrocytic 1; plus strand). Cytogenetic location: 9q34.11.
Variant type: single nucleotide variant.
Coding change: c.1581T>A on transcript NM_001130438.3 (MANE Select); coding-DNA position 1581, T replaced by A.
Protein change: p.Asp527Glu; replaces aspartic acid 527 with glutamic acid.
Molecular consequence: missense variant.
Genome position (GRCh38, 1-based): chr9:128,582,487, T>A. VCF-style: chr9-128582487-T-A. GRCh37 (hg19) VCF-style: chr9-131344766-T-A.
Other names: c.1581T>A, p.Asp527Glu (NM_001195532.2, NM_001363759.2, NM_001363765.2 and 1 more transcripts); short protein forms D527E.
Identifiers: ClinVar variation 580919 (VCV000580919.17), dbSNP rs971082831, ClinGen allele CA200378802.

ClinVar aggregate classification (germline): Conflicting classifications of pathogenicity. Review status: criteria provided, conflicting classifications (1 of 4 stars). 3 submissions from 3 submitters: Uncertain significance (1); Likely benign (2). Last evaluated 2026-05-21.

Conditions:
Inborn genetic diseases. Identifiers: MedGen C0950123, MeSH D030342.
Early-infantile DEE. Also called: Early infantile epileptic encephalopathy; Ohtahara syndrome; Early infantile epileptic encephalopathy with suppression bursts. Identifiers: Orphanet 1934, MedGen C0393706, MONDO:0800491.

Allele frequency attached by ClinVar (database versions not stated): gnomAD exomes 0.00001 and below 0.00001; TOPMed 0.00008; gnomAD 0.00004.
gnomAD v4.1: 12 of 1,614,098 alleles (0.00074%); highest among the groups gnomAD compares: Admixed American, 0.015%; no homozygotes.

Submissions (3):

Ambry Genetics
Classification: Likely benign for Inborn genetic diseases. Last evaluated: 2026-05-21. Review status: criteria provided, single submitter. Criteria: Ambry Variant Classification Scheme 2023. Collection method: clinical testing. Allele origin: germline.

Labcorp Genetics (formerly Invitae), Labcorp
Classification: Likely benign for Early-infantile DEE. Last evaluated: 2025-05-23. Review status: criteria provided, single submitter. Criteria: Invitae Variant Classification Sherloc (09022015). Collection method: clinical testing. Allele origin: germline.

Women's Health and Genetics/Laboratory Corporation of America, LabCorp
Classification: Uncertain significance. Last evaluated: 2024-02-28. Review status: criteria provided, single submitter. Criteria: LabCorp Variant Classification Summary - May 2015. Collection method: clinical testing. Allele origin: germline.
Comment: Variant summary: SPTAN1 c.1581T>A (p.Asp527Glu) results in a conservative amino acid change in the encoded protein sequence. Three of five in-silico tools predict a benign effect of the variant on protein function. The variant allele was found at a frequency of 4e-06 in 251454 control chromosomes. The available data on variant occurrences in the general population are insufficient to allow any conclusion about variant significance. To our knowledge, no occurrence of c.1581T>A in individuals affected with Epileptic Encephalopathy, Early Infantile, 5 and no experimental evidence demonstrating its impact on protein function have been reported. ClinVar contains an entry for this variant (Variation ID: 580919). Based on the evidence outlined above, the variant was classified as uncertain significance.